The following is an entry in ClinVar:

ClinVar aggregate classification (germline): Uncertain significance (1 of 4 stars; one submission).

Allele frequency attached by ClinVar (database versions not stated): TOPMed 0.00002.

Submission:

Labcorp Genetics (formerly Invitae), Labcorp
Classification: Uncertain significance. Last evaluated: 2022-06-22. Review status: criteria provided, single submitter. Criteria: Invitae Variant Classification Sherloc (09022015). Collection method: clinical testing. Allele origin: germline.
Comment: In summary, the available evidence is currently insufficient to determine the role of this variant in disease. Therefore, it has been classified as a Variant of Uncertain Significance. Algorithms developed to predict the effect of missense changes on protein structure and function are either unavailable or do not agree on the potential impact of this missense change (SIFT: "Deleterious"; PolyPhen-2: "Probably Damaging"; Align-GVGD: "Class C15"). This variant has not been reported in the literature in individuals affected with IMPG2-related conditions. This variant is present in population databases (rs750457079, gnomAD 0.003%). This sequence change replaces aspartic acid, which is acidic and polar, with asparagine, which is neutral and polar, at codon 324 of the IMPG2 protein (p.Asp324Asn).

NM_016247.4(IMPG2):c.970G>A (p.Asp324Asn)

Gene: IMPG2 (interphotoreceptor matrix proteoglycan 2; minus strand). Cytogenetic location: 3q12.3.
Variant type: single nucleotide variant.
Coding change: c.970G>A on transcript NM_016247.4 (MANE Select); coding-DNA position 970, G replaced by A.
Protein change: p.Asp324Asn; replaces aspartic acid 324 with asparagine.
Molecular consequence: missense variant.
Genome position (GRCh38, 1-based): chr3:101,257,712, C>T on the plus strand (G>A on the coding strand, the complement: IMPG2 is on the minus strand). VCF-style: chr3-101257712-C-T. GRCh37 (hg19) VCF-style: chr3-100976556-C-T.
Other names: short protein forms D324N.
Identifiers: ClinVar variation 2073874 (VCV002073874.4), dbSNP rs750457079, ClinGen allele CA2519302.